The following continues an entry in ClinVar:

NM_000059.4(BRCA2):c.1788T>C (p.Asp596=)

Gene: BRCA2. ClinVar aggregate classification (germline): Benign. Benign (1).

Submissions 23 to 29 of 29:

Breakthrough Genomics
Classification: Benign. Review status: criteria provided, single submitter. Criteria: ACMG Guidelines, 2015. Collection method: not provided. Allele origin: germline. Inheritance: Autosomal recessive inheritance. Affected: yes. Not counted in ClinVar's aggregate classification.

Mayo Clinic Laboratories, Mayo Clinic
Classification: Benign. Last evaluated: 2017-11-20. Review status: no assertion criteria provided. Collection method: clinical testing. Allele origin: unknown. Not counted in ClinVar's aggregate classification.

Counsyl
Classification: Benign for Breast-ovarian cancer, familial 2. Last evaluated: 2014-01-09. Review status: no assertion criteria provided. Collection method: literature only. Allele origin: unknown. Inheritance: Autosomal dominant inheritance. Not counted in ClinVar's aggregate classification.

Breast Cancer Information Core (BIC) (BRCA2)
Classification: Uncertain significance for Breast-ovarian cancer, familial 2. Last evaluated: 1997-11-13. Review status: no assertion criteria provided. Collection method: clinical testing. Allele origin: germline. Affected: yes. Observed: 1 variant allele. Not counted in ClinVar's aggregate classification.

Clinical Genetics Laboratory, Department of Pathology, Netherlands Cancer Institute
Classification: Benign. Review status: no assertion criteria provided. Collection method: clinical testing. Allele origin: germline. Affected: yes. Study: VKGL Data-share Consensus. Not counted in ClinVar's aggregate classification.

Department of Pathology and Laboratory Medicine, Sinai Health System
Classification: Benign for Malignant tumor of breast. Review status: no assertion criteria provided. Collection method: clinical testing. Allele origin: unknown. Affected: yes. Study: The Canadian Open Genetics Repository (COGR). Not counted in ClinVar's aggregate classification.
Comment: The p.Asp596Asp variant has been identified in 5 individuals from our laboratory, and 13 times in the UMD-BRCA2 database. It is reported in the literature in 28 of 8092 (frequency of 0.003) probands with breast and ovarian cancers; although no control chromosomes were tested to establish the variants frequency in the general population (Borg 2010, Thomassen 2011, Caux-Moncoutier 2011, Fackenthal 2011). The p.Asp596Asp variant is not expected to have clinical significance because it does not alter an amino acid residue, is not located near a splice junction, and is listed in dbSNP database as coming from a "clinical source" (ID#: rs11571642) with an average heterozygosity of 0.013+/-0.079 increasing the likelihood that this is a low frequency benign variant. In addition, Myriad genetics has reported this variant as a polymorphism increasing the likelihood this variant is benign (personal communication). In summary, based on the above information, this variant is classified as benign.

Joint Genome Diagnostic Labs from Nijmegen and Maastricht, Radboudumc and MUMC+
Classification: Benign. Review status: no assertion criteria provided. Collection method: clinical testing. Allele origin: germline. Affected: yes. Study: VKGL Data-share Consensus. Not counted in ClinVar's aggregate classification.

Literature cited by the submitters: DOI 10.3389/fgene.2022.834265 (cited by National Health Laboratory Service, Universitas Academic Hospital and University of the Free State); PubMed 36329109 (cited by Genetics Program, Instituto Nacional de Cancer); PubMed 21769658 (cited by Quest Diagnostics Nichols Institute San Juan Capistrano and Women's Health and Genetics/Laboratory Corporation of America, LabCorp); PubMed 20104584 (cited by 4 submitters); PubMed 22034289 (cited by 3 submitters); PubMed 25382762 (cited by Ambry Genetics); PubMed 29446198 (cited by Ambry Genetics); PubMed 10800284 (cited by Women's Health and Genetics/Laboratory Corporation of America, LabCorp).